The following is an entry in ClinVar:

ClinVar aggregate classification (germline): Benign/Likely benign. Review status: criteria provided, multiple submitters, no conflicts (2 of 4 stars). 4 submissions from 4 submitters: Benign (3); Likely benign (1). Last evaluated 2026-01-27.

Conditions:
Inborn genetic diseases. Identifiers: MedGen C0950123, MeSH D030342.

Allele frequency attached by ClinVar (database versions not stated): TOPMed 0.00025; 1000 Genomes Project 30x 0.00062.
gnomAD v4.1: 1,610 of 1,301,918 alleles (0.12%); highest among the groups gnomAD compares: East Asian, 0.083%; 24 homozygotes.

Submissions (4):

Labcorp Genetics (formerly Invitae), Labcorp
Classification: Benign. Last evaluated: 2026-01-27. Review status: criteria provided, single submitter. Criteria: Invitae Variant Classification Sherloc (09022015). Collection method: clinical testing. Allele origin: germline.

CeGaT Center for Human Genetics Tuebingen
Classification: Benign. Last evaluated: 2025-10-01. Review status: criteria provided, single submitter. Criteria: CeGaT Center For Human Genetics Tuebingen Variant Classification Criteria Version 2. Collection method: clinical testing. Allele origin: germline. Affected: yes. Observed: 3 variant alleles.
Comment: KCNC3: BS1, BS2

Blueprint Genetics
Classification: Likely benign. Last evaluated: 2024-10-09. Review status: criteria provided, single submitter. Criteria: ACMG Guidelines, 2015. Collection method: clinical testing. Allele origin: germline.

Ambry Genetics
Classification: Benign for Inborn genetic diseases. Last evaluated: 2022-11-02. Review status: criteria provided, single submitter. Criteria: Ambry Variant Classification Scheme 2023. Collection method: clinical testing. Allele origin: germline.

NM_004977.3(KCNC3):c.71C>T (p.Pro24Leu)

Genes: KCNC3 (potassium voltage-gated channel subfamily C member 3; minus strand), LOC111811967 (Sharpr-MPRA regulatory region 11330/13384; plus strand). Cytogenetic location: 19q13.33.
Variant type: single nucleotide variant.
Coding change: c.71C>T on transcript NM_004977.3 (MANE Select); coding-DNA position 71, C replaced by T.
Protein change: p.Pro24Leu; replaces proline 24 with leucine.
Molecular consequence: missense variant. On other transcripts: 5 prime UTR variant (1).
Genome position (GRCh38, 1-based): chr19:50,329,012, G>A on the plus strand (C>T on the coding strand, the complement: KCNC3 is on the minus strand). VCF-style: chr19-50329012-G-A. GRCh37 (hg19) VCF-style: chr19-50832269-G-A.
Other names: c.-158C>T (NM_001372305.1); short protein forms P24L.
Identifiers: ClinVar variation 718964 (VCV000718964.52), dbSNP rs775818633, ClinGen allele CA9594404.
Genomic context (GRCh38, chr19:50,329,012, plus strand): 5'-GCAGGCTGCTGCTGCTGCGGCGGCAGCGGTGGCGGCGGCGGGGACTCGGGCGGCTGCGGC[G>A]GTGGCGCCGGCTGCTGCTTGCTGGCCCCCTGGCGCCCGCGGAAGGACGAGACGCAGACTG-3'
Protein context (NP_004968.2, residues 14-34): QGASKQQPAP[Pro24Leu]PQPPESPPPP